The following is an entry in ClinVar:

NM_000179.3(MSH6):c.2669T>A (p.Val890Asp)

Gene: MSH6 (mutS homolog 6; plus strand). Cytogenetic location: 2p16.3.
Variant type: single nucleotide variant.
Coding change: c.2669T>A on transcript NM_000179.3 (MANE Select); coding-DNA position 2669, T replaced by A.
Protein change: p.Val890Asp; replaces valine 890 with aspartic acid.
Molecular consequence: missense variant.
Genome position (GRCh38, 1-based): chr2:47,800,652, T>A. VCF-style: chr2-47800652-T-A. GRCh37 (hg19) VCF-style: chr2-48027791-T-A.
Other names: c.2279T>A, p.Val760Asp (NM_001281492.2); c.1763T>A, p.Val588Asp (NM_001281493.2, NM_001281494.2); short protein forms V588D, V760D, V890D.
Identifiers: ClinVar variation 1477364 (VCV001477364.11), dbSNP rs1114167741, ClinGen allele CA346755239.

ClinVar aggregate classification (germline): Uncertain significance. Review status: criteria provided, multiple submitters, no conflicts (2 of 4 stars). 4 submissions from 4 submitters: Uncertain significance (4). Last evaluated 2024-12-02.

Conditions:
Hereditary cancer-predisposing syndrome. Also called: Neoplastic Syndromes, Hereditary; Hereditary Cancer Syndrome; Tumor predisposition; Hereditary neoplastic syndrome. Identifiers: Orphanet 140162, MedGen C0027672, MeSH D009386, MONDO:0015356.
Hereditary nonpolyposis colorectal neoplasms. Identifiers: MedGen C0009405, MeSH D003123.

gnomAD v4.1: 3 of 1,614,192 alleles (0.00019%); no homozygotes.

Submissions (4):

Ambry Genetics
Classification: Uncertain significance for Hereditary cancer-predisposing syndrome. Last evaluated: 2024-12-02. Review status: criteria provided, single submitter. Criteria: Ambry Variant Classification Scheme 2023. Collection method: clinical testing. Allele origin: germline.
Comment: The p.V890D variant (also known as c.2669T>A), located in coding exon 4 of the MSH6 gene, results from a T to A substitution at nucleotide position 2669. The valine at codon 890 is replaced by aspartic acid, an amino acid with highly dissimilar properties. This amino acid position is conserved. In addition, the in silico prediction for this alteration is inconclusive. Based on the available evidence, the clinical significance of this variant remains unclear.

Labcorp Genetics (formerly Invitae), Labcorp
Classification: Uncertain significance for Hereditary nonpolyposis colorectal neoplasms. Last evaluated: 2024-11-06. Review status: criteria provided, single submitter. Criteria: Invitae Variant Classification Sherloc (09022015). Collection method: clinical testing. Allele origin: germline.
Comment: This sequence change replaces valine, which is neutral and non-polar, with aspartic acid, which is acidic and polar, at codon 890 of the MSH6 protein (p.Val890Asp). This variant is not present in population databases (gnomAD no frequency). This variant has not been reported in the literature in individuals affected with MSH6-related conditions. ClinVar contains an entry for this variant (Variation ID: 1477364). Invitae Evidence Modeling of protein sequence and biophysical properties (such as structural, functional, and spatial information, amino acid conservation, physicochemical variation, residue mobility, and thermodynamic stability) indicates that this missense variant is not expected to disrupt MSH6 protein function with a negative predictive value of 95%. In summary, the available evidence is currently insufficient to determine the role of this variant in disease. Therefore, it has been classified as a Variant of Uncertain Significance.

Color Diagnostics, LLC DBA Color Health
Classification: Uncertain significance for Hereditary cancer-predisposing syndrome. Last evaluated: 2024-01-22. Review status: criteria provided, single submitter. Criteria: ACMG Guidelines, 2015. Collection method: clinical testing. Allele origin: germline.
Comment: This missense variant replaces valine with aspartic acid at codon 890 of the MSH6 protein. Computational prediction is inconclusive regarding the impact of this variant on protein structure and function (internally defined REVEL score threshold 0.5 < inconclusive < 0.7, PMID: 27666373). To our knowledge, functional studies have not been reported for this variant. This variant has not been reported in individuals affected with MSH6-related disorders in the literature. This variant has not been identified in the general population by the Genome Aggregation Database (gnomAD). The available evidence is insufficient to determine the role of this variant in disease conclusively. Therefore, this variant is classified as a Variant of Uncertain Significance.

Sema4
Classification: Uncertain significance for Hereditary cancer-predisposing syndrome. Last evaluated: 2021-04-04. Review status: criteria provided, single submitter. Criteria: Sema4 Curation Guidelines. Collection method: curation. Allele origin: germline.
Comment: To the best of our knowledge, the MSH6 c.2669T>A (p.V890D) variant has not been reported in individuals with MSH6-related disease. It was not observed in the large and broad cohorts of the Genome Aggregation Database. The variant has not been reported in ClinVar. In silico tools suggest the impact of the variant on protein function is inconclusive, though these predictions have not been confirmed by functional studies. The evidence is insufficient to meet ACMG/AMP criteria for classifying the variant as benign or pathogenic. Thus, the clinical significance of this variant is currently uncertain.